The following is an entry in ClinVar:

ClinVar aggregate classification (germline): Benign (0 of 4 stars; one submission).

Conditions:
KCTD18-related disorder. Also called: KCTD18-related condition.

Allele frequency attached by ClinVar (database versions not stated): gnomAD exomes 0.00033; ExAC 0.00104; 1000 Genomes Project 30x 0.00219; 1000 Genomes Project 0.00240; gnomAD 0.00341; TOPMed 0.00366; ESP Exome Variant Server 0.00369.
gnomAD v4.1: 999 of 1,614,148 alleles (0.062%); highest among the groups gnomAD compares: African/African-American, 1.2%; 1 homozygote.

Submission:

PreventionGenetics, part of Exact Sciences
Classification: Benign for KCTD18-related condition. Last evaluated: 2019-08-28. Review status: no assertion criteria provided. Collection method: clinical testing. Allele origin: germline.
Comment: This variant is classified as benign based on ACMG/AMP sequence variant interpretation guidelines (Richards et al. 2015 PMID: 25741868, with internal and published modifications).

NM_152387.4(KCTD18):c.315C>T (p.Asp105=)

Gene: KCTD18 (potassium channel tetramerization domain containing 18; minus strand). Cytogenetic location: 2q33.1.
Variant type: single nucleotide variant.
Coding change: c.315C>T on transcript NM_152387.4 (MANE Select); coding-DNA position 315, C replaced by T.
Protein change: p.Asp105=; no amino-acid change (aspartic acid 105 retained).
Molecular consequence: synonymous variant. On other transcripts: 5 prime UTR variant (2).
Genome position (GRCh38, 1-based): chr2:200,504,805, G>A on the plus strand (C>T on the coding strand, the complement: KCTD18 is on the minus strand). VCF-style: chr2-200504805-G-A. GRCh37 (hg19) VCF-style: chr2-201369528-G-A.
Other names: c.315C>T, p.Asp105= (NM_001321547.2); c.-291C>T (NM_001321548.2, NM_001321550.2).
Identifiers: ClinVar variation 3052702 (VCV003052702.2), dbSNP rs144080666, ClinGen allele CA2047746.